The following is an entry in ClinVar:

ClinVar aggregate classification (germline): Uncertain significance (1 of 4 stars; one submission).

Conditions:
Familial sleep-related hypermotor epilepsy. Also called: Autosomal Dominant Sleep-Related Hypermotor (Hyperkinetic) Epilepsy. Identifiers: Orphanet 98784, MedGen C3696898, MONDO:0000030.

Submission:

Labcorp Genetics (formerly Invitae), Labcorp
Classification: Uncertain significance. Last evaluated: 2022-08-15. Review status: criteria provided, single submitter. Criteria: Invitae Variant Classification Sherloc (09022015). Collection method: clinical testing. Allele origin: germline.
Comment: This variant is a gross deletion of the genomic region encompassing exon(s) 1-4 of the CHRNA4 gene, which includes the initiator codon. This deletion extends beyond the assayed region for this gene and therefore may encompass additional genes. It is expected to result in an absent or disrupted protein product. However, the current clinical and genetic evidence is not sufficient to establish whether loss-of-function variants in CHRNA4 cause disease. This variant has not been reported in the literature in individuals affected with CHRNA4-related conditions. In summary, the available evidence is currently insufficient to determine the role of this variant in disease. Therefore, it has been classified as a Variant of Uncertain Significance.

NC_000020.10:g.(?_61987307)_(61992517_?)del

Gene: CHRNA4 (cholinergic receptor nicotinic alpha 4 subunit; minus strand). Cytogenetic location: 20q13.33.
Variant type: Deletion.
Identifiers: ClinVar variation 2423385 (VCV002423385.3).